The following is an entry in ClinVar:

NM_001349206.2(LPIN1):c.957+6A>T

Genes: LPIN1 (lipin 1; plus strand), LOC126806147 (CDK7 strongly-dependent group 2 enhancer GRCh37_chr2:11919054-11920253; plus strand). Cytogenetic location: 2p25.1.
Variant type: single nucleotide variant.
Coding change: c.957+6A>T on transcript NM_001349206.2 (MANE Select); 6 bases into the intron after coding-DNA position 957, A replaced by T.
Molecular consequence: intron variant.
Genome position (GRCh38, 1-based): chr2:11,779,651, A>T. VCF-style: chr2-11779651-A-T. GRCh37 (hg19) VCF-style: chr2-11919777-A-T.
Other names: c.1104+6A>T (NM_001261428.3); c.996+6A>T (NM_001349208.2); c.1047+6A>T (NM_001349207.2); c.867+6A>T (NM_001261427.3); c.957+6A>T (NM_001349204.2, NM_001349205.2); c.954+6A>T (NM_001349202.2, NM_001349203.2); c.849+6A>T (NM_001349200.2, NM_001349199.2, NM_001349201.2 and 1 more transcripts).
Identifiers: ClinVar variation 1945424 (VCV001945424.5), dbSNP rs2546118565, ClinGen allele CA2580063693.

ClinVar aggregate classification (germline): Uncertain significance (1 of 4 stars; one submission).

Allele frequency attached by ClinVar (database versions not stated): gnomAD exomes below 0.00001.
gnomAD v4.1: 1 of 1,613,868 alleles (0.000062%); highest among the groups gnomAD compares: Admixed American, 0.0017%; no homozygotes.

Submission:

Labcorp Genetics (formerly Invitae), Labcorp
Classification: Uncertain significance. Last evaluated: 2022-01-07. Review status: criteria provided, single submitter. Criteria: Invitae Variant Classification Sherloc (09022015). Collection method: clinical testing. Allele origin: germline.
Comment: In summary, the available evidence is currently insufficient to determine the role of this variant in disease. Therefore, it has been classified as a Variant of Uncertain Significance. Variants that disrupt the consensus splice site are a relatively common cause of aberrant splicing (PMID: 17576681, 9536098). Algorithms developed to predict the effect of sequence changes on RNA splicing suggest that this variant is not likely to affect RNA splicing. This variant has not been reported in the literature in individuals affected with LPIN1-related conditions. This variant is not present in population databases (gnomAD no frequency). This sequence change falls in intron 6 of the LPIN1 gene. It does not directly change the encoded amino acid sequence of the LPIN1 protein. It affects a nucleotide within the consensus splice site.

Literature cited by the submitters: PubMed 17576681; PubMed 9536098.